The following is an entry in ClinVar:

ClinVar aggregate classification (germline): Uncertain significance. Review status: criteria provided, multiple submitters, no conflicts (2 of 4 stars). 2 submissions from 2 submitters: Uncertain significance (2). Last evaluated 2022-07-30.

Allele frequency attached by ClinVar (database versions not stated): ExAC 0.00001; gnomAD exomes 0.00001 and 0.00002; TOPMed 0.00001.
gnomAD v4.1: 6 of 1,612,490 alleles (0.00037%); highest among the groups gnomAD compares: Admixed American, 0.0084%; no homozygotes.

Submissions (2):

Labcorp Genetics (formerly Invitae), Labcorp
Classification: Uncertain significance. Last evaluated: 2022-07-30. Review status: criteria provided, single submitter. Criteria: Invitae Variant Classification Sherloc (09022015). Collection method: clinical testing. Allele origin: germline.
Comment: In summary, the available evidence is currently insufficient to determine the role of this variant in disease. Therefore, it has been classified as a Variant of Uncertain Significance. Algorithms developed to predict the effect of sequence changes on RNA splicing suggest that this variant may disrupt the consensus splice site. This sequence change replaces glycine, which is neutral and non-polar, with serine, which is neutral and polar, at codon 136 of the ATF6 protein (p.Gly136Ser). This variant is present in population databases (rs770517546, gnomAD 0.009%). This variant has not been reported in the literature in individuals affected with ATF6-related conditions. ClinVar contains an entry for this variant (Variation ID: 849507). Algorithms developed to predict the effect of missense changes on protein structure and function output the following: SIFT: "Tolerated"; PolyPhen-2: "Benign"; Align-GVGD: "Class C0". The serine amino acid residue is found in multiple mammalian species, which suggests that this missense change does not adversely affect protein function.

Blueprint Genetics
Classification: Uncertain significance. Last evaluated: 2022-07-17. Review status: criteria provided, single submitter. Criteria: ACMG Guidelines, 2015. Collection method: clinical testing. Allele origin: germline.

NM_007348.4(ATF6):c.406G>A (p.Gly136Ser)

Gene: ATF6 (activating transcription factor 6; plus strand). Cytogenetic location: 1q23.3.
Variant type: single nucleotide variant.
Coding change: c.406G>A on transcript NM_007348.4 (MANE Select); coding-DNA position 406, G replaced by A.
Protein change: p.Gly136Ser; replaces glycine 136 with serine.
Molecular consequence: missense variant.
Genome position (GRCh38, 1-based): chr1:161,791,459, G>A. VCF-style: chr1-161791459-G-A. GRCh37 (hg19) VCF-style: chr1-161761249-G-A.
Other names: short protein forms G136S.
Identifiers: ClinVar variation 849507 (VCV000849507.9), dbSNP rs770517546, ClinGen allele CA1214194.
Genomic context (GRCh38, chr1:161,791,459, plus strand): 5'-ATGCTACAGGAGGAGTTGGATTTGTCTTCTAGTTCTCAGATGTCTCCCCTTTCCTTATAT[G>A]GTGAAAACTCTAATAGTCTCTCTTCAGCGGAGCCACTGAAGGAAGATAAGCCTGTCACTG-3'
Protein context (NP_031374.2, residues 126-146): SSQMSPLSLY[Gly136Ser]ENSNSLSSAE